The following is an entry in ClinVar:

NM_003900.5(SQSTM1):c.173_175del (p.Leu58del)

Genes: SQSTM1 (sequestosome 1; plus strand), LOC129995449 (ATAC-STARR-seq lymphoblastoid silent region 16749; plus strand). Cytogenetic location: 5q35.3.
Variant type: Deletion.
Coding change: c.173_175del on transcript NM_003900.5 (MANE Select); coding-DNA positions 173 to 175, 3 bases deleted (TGC; older notation c.173_175delTGC).
Protein change: p.Leu58del; deletes leucine 58.
Molecular consequence: inframe deletion. On other transcripts: intron variant (2).
Genome position (GRCh38, 1-based): chr5:179,821,109-179,821,111, TGC deleted; deleting any 3 consecutive bases within chr5:179,821,107-179,821,111 gives the same sequence; the c. name uses the placement nearest the transcript's 3' end. VCF-style (leftmost placement, unchanged base first): chr5-179821106-CGCT-C. GRCh37 (hg19) VCF-style: chr5-179248106-CGCT-C.
Other names: c.-47-1849_-47-1847del (NM_001142298.2, NM_001142299.2); short protein forms L58del.
Identifiers: ClinVar variation 1511548 (VCV001511548.8), dbSNP rs2113480023, ClinGen allele CA2573139493.

ClinVar aggregate classification (germline): Uncertain significance (1 of 4 stars; one submission).

Conditions:
Paget disease of bone 2, early-onset (PDB2). Also called: Paget disease of bone 2. Identifiers: MedGen C4085251, MONDO:0011183, OMIM 602080.
Frontotemporal dementia and/or amyotrophic lateral sclerosis 1 (FTDALS1). Also called: Frontotemporal dementia with motor neuron disease 1; C9orf72 Frontotemporal Dementia and/or Amyotrophic Lateral Sclerosis. Identifiers: Orphanet 275872, MedGen C5779877, MONDO:0007105, OMIM 105550.

Submission:

Labcorp Genetics (formerly Invitae), Labcorp
Classification: Uncertain significance for Paget disease of bone 2, early-onset; Frontotemporal dementia and/or amyotrophic lateral sclerosis 1. Last evaluated: 2022-11-01. Review status: criteria provided, single submitter. Criteria: Invitae Variant Classification Sherloc (09022015). Collection method: clinical testing. Allele origin: germline.
Comment: This variant has not been reported in the literature in individuals affected with SQSTM1-related conditions. In summary, the available evidence is currently insufficient to determine the role of this variant in disease. Therefore, it has been classified as a Variant of Uncertain Significance. Experimental studies and prediction algorithms are not available or were not evaluated, and the functional significance of this variant is currently unknown. ClinVar contains an entry for this variant (Variation ID: 1511548). This variant is not present in population databases (gnomAD no frequency). This variant, c.173_175del, results in the deletion of 1 amino acid(s) of the SQSTM1 protein (p.Leu58del), but otherwise preserves the integrity of the reading frame.